The following is an entry in ClinVar:

ClinVar aggregate classification (germline): Uncertain significance (1 of 4 stars; one submission).

gnomAD v4.1: 1 of 1,513,256 alleles (0.000066%); highest among the groups gnomAD compares: Non-Finnish European, 0.000088%; no homozygotes.

Submission:

GeneDx
Classification: Uncertain significance. Last evaluated: 2026-03-19. Review status: criteria provided, single submitter. Criteria: GeneDx Variant Classification Process June 2021. Collection method: clinical testing. Allele origin: germline.
Comment: Not observed at significant frequency in large population cohorts (gnomAD); In silico analysis supports that this missense variant has a deleterious effect on protein structure/function; Has not been previously published as pathogenic or benign to our knowledge

NM_001386298.1(CIC):c.7487G>T (p.Gly2496Val)

Gene: CIC (capicua transcriptional repressor; plus strand). Cytogenetic location: 19q13.2.
Variant type: single nucleotide variant.
Coding change: c.7487G>T on transcript NM_001386298.1 (MANE Select); coding-DNA position 7487, G replaced by T.
Protein change: p.Gly2496Val; replaces glycine 2496 with valine.
Molecular consequence: missense variant.
Genome position (GRCh38, 1-based): chr19:42,295,124, G>T. VCF-style: chr19-42295124-G-T. GRCh37 (hg19) VCF-style: chr19-42799276-G-T.
Other names: c.7487G>T, p.Gly2496Val (NM_001304815.2); c.7484G>T, p.Gly2495Val (NM_001379480.1, NM_001379482.1, NM_001439183.1); c.4754G>T, p.Gly1585Val (NM_001379484.1, NM_001439191.1); c.4751G>T, p.Gly1584Val (NM_001379485.1); c.7481G>T, p.Gly2494Val (NM_001439184.1, NM_001439185.1, NM_001439186.1); c.7478G>T, p.Gly2493Val (NM_001439187.1); c.7475G>T, p.Gly2492Val (NM_001439188.1); c.4757G>T, p.Gly1586Val (NM_001439189.1, NM_001439190.1); and 1 more; short protein forms G2492V, G2493V, G2496V, G1584V, G1587V, G2495V, G2494V, G1585V.
Identifiers: ClinVar variation 5009513 (VCV005009513.1).
Genomic context (GRCh38, chr19:42,295,124, plus strand): 5'-GCACGGCCCAGGCTGCCCCGCCACTGCCTCCACCCCCAGAGTCGGGGCCTGGACAGCCTG[G>T]CTGGGAGGGGGCTCCCCAGCCCTCCCCCCCACCCCCAGGTCCCTCCACAGCTGCCACAGG-3'
Protein context (NP_001373227.1, residues 2486-2506): PPPESGPGQP[Gly2496Val]WEGAPQPSPP